The following is an entry in ClinVar:

NM_001100913.3(PACS2):c.725C>G (p.Thr242Arg)

Gene: PACS2 (phosphofurin acidic cluster sorting protein 2; plus strand). Cytogenetic location: 14q32.33.
Variant type: single nucleotide variant.
Coding change: c.725C>G on transcript NM_001100913.3 (MANE Select); coding-DNA position 725, C replaced by G.
Protein change: p.Thr242Arg; replaces threonine 242 with arginine.
Molecular consequence: missense variant. On other transcripts: intron variant (1).
Genome position (GRCh38, 1-based): chr14:105,368,523, C>G. VCF-style: chr14-105368523-C-G. GRCh37 (hg19) VCF-style: chr14-105834860-C-G.
Other names: c.725C>G, p.Thr242Arg (NM_015197.4); c.516+8C>G (NM_001243127.3); short protein forms T242R.
Identifiers: ClinVar variation 1329697 (VCV001329697.7), dbSNP rs780880602, ClinGen allele CA391175774.

ClinVar aggregate classification (germline): Conflicting classifications of pathogenicity. Review status: criteria provided, conflicting classifications (1 of 4 stars). 3 submissions from 3 submitters: Uncertain significance (2); Likely benign (1). Last evaluated 2024-07-16.

Conditions:
Inborn genetic diseases. Identifiers: MedGen C0950123, MeSH D030342.

Submissions (3):

Ambry Genetics
Classification: Uncertain significance for Inborn genetic diseases. Last evaluated: 2024-07-16. Review status: criteria provided, single submitter. Criteria: Ambry Variant Classification Scheme 2023. Collection method: clinical testing. Allele origin: germline.

Labcorp Genetics (formerly Invitae), Labcorp
Classification: Likely benign. Last evaluated: 2023-10-22. Review status: criteria provided, single submitter. Criteria: Invitae Variant Classification Sherloc (09022015). Collection method: clinical testing. Allele origin: germline.

GeneDx
Classification: Uncertain significance. Last evaluated: 2021-06-24. Review status: criteria provided, single submitter. Criteria: GeneDx Variant Classification Process June 2021. Collection method: clinical testing. Allele origin: germline. Affected: yes.
Comment: Not observed at significant frequency in large population cohorts (Lek et al., 2016); In silico analysis supports that this missense variant has a deleterious effect on protein structure/function; Has not been previously published as pathogenic or benign to our knowledge; This variant is associated with the following publications: (PMID: 27535533)